The following is an entry in ClinVar:

NM_001378964.1(CDON):c.65C>G (p.Ser22Cys)

Gene: CDON (cell adhesion associated, oncogene regulated; minus strand). Cytogenetic location: 11q24.2.
Variant type: single nucleotide variant.
Coding change: c.65C>G on transcript NM_001378964.1 (MANE Select); coding-DNA position 65, C replaced by G.
Protein change: p.Ser22Cys; replaces serine 22 with cysteine.
Molecular consequence: missense variant.
Genome position (GRCh38, 1-based): chr11:126,023,412, G>C on the plus strand (C>G on the coding strand, the complement: CDON is on the minus strand). VCF-style: chr11-126023412-G-C. GRCh37 (hg19) VCF-style: chr11-125893307-G-C.
Other names: c.65C>G, p.Ser22Cys (NM_001243597.3, NM_016952.6); short protein forms S22C.
Identifiers: ClinVar variation 2108726 (VCV002108726.4), dbSNP rs765875828, ClinGen allele CA230557845.

ClinVar aggregate classification (germline): Uncertain significance (1 of 4 stars; one submission).

Conditions:
Holoprosencephaly 11 (HPE11). Identifiers: Orphanet 2162, MedGen C3280215, MONDO:0013642, OMIM 614226.

gnomAD v4.1: 1 of 1,608,882 alleles (0.000062%); no homozygotes.

Submission:

Labcorp Genetics (formerly Invitae), Labcorp
Classification: Uncertain significance for Holoprosencephaly 11. Last evaluated: 2022-10-18. Review status: criteria provided, single submitter. Criteria: Invitae Variant Classification Sherloc (09022015). Collection method: clinical testing. Allele origin: germline.
Comment: This sequence change replaces serine, which is neutral and polar, with cysteine, which is neutral and slightly polar, at codon 22 of the CDON protein (p.Ser22Cys). This variant is not present in population databases (gnomAD no frequency). This variant has not been reported in the literature in individuals affected with CDON-related conditions. Algorithms developed to predict the effect of missense changes on protein structure and function are either unavailable or do not agree on the potential impact of this missense change (SIFT: "Deleterious"; PolyPhen-2: "Possibly Damaging"; Align-GVGD: "Class C15"). In summary, the available evidence is currently insufficient to determine the role of this variant in disease. Therefore, it has been classified as a Variant of Uncertain Significance.